The following is an entry in ClinVar:

NM_000393.5(COL5A2):c.550_553dup (p.Asp185fs)

Gene: COL5A2 (collagen type V alpha 2 chain; minus strand). Cytogenetic location: 2q32.2.
Variant type: Duplication.
Coding change: c.550_553dup on transcript NM_000393.5 (MANE Select); coding-DNA positions 550 to 553, 4 bases duplicated (CCCG; older notation c.550_553dupCCCG).
Protein change: p.Asp185fs; shifts the reading frame from aspartic acid 185.
Molecular consequence: frameshift variant.
Genome position (GRCh38, 1-based): chr2:189,092,324-189,092,327, CGGG duplicated on the plus strand (CCCG on the coding strand, the reverse complement: COL5A2 is on the minus strand). VCF-style (leftmost placement, unchanged base first): chr2-189092323-T-TCGGG. GRCh37 (hg19) VCF-style: chr2-189957049-T-TCGGG.
Other names: short protein forms D185fs.
Identifiers: ClinVar variation 4715994 (VCV004715994.1).
Genomic context (GRCh38, chr2:189,092,323, plus strand): 5'-TTTAAAACATGACCTGTACGTGACATCAAACAATGCACACAACTCACCCTGCTCAAGCCA[T>TCGGG]CGGGTCCTGGGTGGGACGGATGTCCAGGAGGTCCTGGAGCACCAGGTTGACCAGGAACAC-3'

ClinVar aggregate classification (germline): Pathogenic (1 of 4 stars; one submission).

Conditions:
Ehlers-Danlos syndrome, classic type, 1 (EDSCL1). Also called: EHLERS-DANLOS SYNDROME, GRAVIS TYPE; EHLERS-DANLOS SYNDROME, SEVERE CLASSIC TYPE; Ehlers-Danlos syndrome, type 1; Ehlers-Danlos Syndrome, Classic Type, COL5A1-Related; EDS I. Identifiers: MedGen C0268335, MONDO:0019567, OMIM 130000.

Submission:

Labcorp Genetics (formerly Invitae), Labcorp
Classification: Pathogenic for Ehlers-Danlos syndrome, classic type, 1. Last evaluated: 2025-03-26. Review status: criteria provided, single submitter. Criteria: Invitae Variant Classification Sherloc (09022015). Collection method: clinical testing. Allele origin: germline.
Comment: This sequence change creates a premature translational stop signal (p.Asp185Alafs*17) in the COL5A2 gene. It is expected to result in an absent or disrupted protein product. Loss-of-function variants in COL5A2 are known to be pathogenic (PMID: 23587214). This variant is not present in population databases (gnomAD no frequency). This variant has not been reported in the literature in individuals affected with COL5A2-related conditions. For these reasons, this variant has been classified as Pathogenic.

Literature cited by the submitters: PubMed 23587214.